The following is an entry in ClinVar:

ClinVar aggregate classification (germline): Likely benign. Review status: criteria provided, multiple submitters, no conflicts (2 of 4 stars). 3 submissions from 3 submitters: Likely benign (3). Last evaluated 2025-09-01.

Conditions:
Hereditary spastic paraplegia 39 (SPG39). Also called: SPASTIC PARAPLEGIA 39, AUTOSOMAL RECESSIVE; Spastic Paraplegia Type 39 (SPG39). Identifiers: Orphanet 139480, MedGen C2677586, MONDO:0012787, OMIM 612020.

Allele frequency attached by ClinVar (database versions not stated): TOPMed 0.00002; ExAC 0.00003; gnomAD 0.00003 and 0.00004.
gnomAD v4.1: 112 of 1,613,022 alleles (0.0069%); highest among the groups gnomAD compares: Non-Finnish European, 0.009%; no homozygotes.

Submissions (3):

CeGaT Center for Human Genetics Tuebingen
Classification: Likely benign. Last evaluated: 2025-09-01. Review status: criteria provided, single submitter. Criteria: CeGaT Center For Human Genetics Tuebingen Variant Classification Criteria Version 2. Collection method: clinical testing. Allele origin: germline. Affected: yes. Observed: 1 variant allele.
Comment: PNPLA6: BP4, BP7

Labcorp Genetics (formerly Invitae), Labcorp
Classification: Likely benign for Hereditary spastic paraplegia 39. Last evaluated: 2025-02-17. Review status: criteria provided, single submitter. Criteria: Invitae Variant Classification Sherloc (09022015). Collection method: clinical testing. Allele origin: germline.

Blueprint Genetics
Classification: Likely benign. Last evaluated: 2023-08-31. Review status: criteria provided, single submitter. Criteria: ACMG Guidelines, 2015. Collection method: clinical testing. Allele origin: germline.

NM_001166114.2(PNPLA6):c.2988C>T (p.Pro996=)

Gene: PNPLA6 (patatin like domain 6, lysophospholipase; plus strand). Cytogenetic location: 19p13.2.
Variant type: single nucleotide variant.
Coding change: c.2988C>T on transcript NM_001166114.2 (MANE Select); coding-DNA position 2988, C replaced by T.
Protein change: p.Pro996=; no amino-acid change (proline 996 retained).
Molecular consequence: synonymous variant.
Genome position (GRCh38, 1-based): chr19:7,555,658, C>T. VCF-style: chr19-7555658-C-T. GRCh37 (hg19) VCF-style: chr19-7620544-C-T.
Other names: c.3018C>T, p.Pro1006= (NM_001166111.2); c.2793C>T, p.Pro931= (NM_001166112.2); c.2874C>T, p.Pro958= (NM_001166113.1, NM_006702.5).
Identifiers: ClinVar variation 1659188 (VCV001659188.16), dbSNP rs779282544, ClinGen allele CA9140295.